The following is an entry in ClinVar:

ClinVar aggregate classification (germline): Benign/Likely benign. Review status: criteria provided, multiple submitters, no conflicts (2 of 4 stars). 10 submissions from 10 submitters: Benign (9); Likely benign (1). Last evaluated 2026-09-01.

Conditions:
Inborn genetic diseases. Identifiers: MedGen C0950123, MeSH D030342.

Submissions (10):

CeGaT Center for Human Genetics Tuebingen
Classification: Benign. Last evaluated: 2026-09-01. Review status: criteria provided, single submitter. Criteria: CeGaT Center For Human Genetics Tuebingen Variant Classification Criteria Version 2. Collection method: clinical testing. Allele origin: germline. Affected: yes. Observed: 88 variant alleles.
Comment: RAI1: BS1, BS2

Labcorp Genetics (formerly Invitae), Labcorp
Classification: Benign. Last evaluated: 2026-02-04. Review status: criteria provided, single submitter. Criteria: Invitae Variant Classification Sherloc (09022015). Collection method: clinical testing. Allele origin: germline.

Laboratory of Genetics, Children's Clinical University Hospital Latvia
Classification: Benign. Last evaluated: 2025-02-16. Review status: criteria provided, single submitter. Criteria: ACMG Guidelines, 2015. Collection method: clinical testing. Allele origin: germline. Affected: yes.

Blueprint Genetics
Classification: Likely benign. Last evaluated: 2024-11-27. Review status: criteria provided, single submitter. Criteria: ACMG Guidelines, 2015. Collection method: clinical testing. Allele origin: germline.

Mayo Clinic Laboratories, Mayo Clinic
Classification: Benign. Last evaluated: 2024-10-04. Review status: criteria provided, single submitter. Criteria: ACMG Guidelines, 2015. Collection method: clinical testing. Allele origin: germline. Observed: 1 variant allele.

GeneDx
Classification: Benign. Last evaluated: 2019-04-08. Review status: criteria provided, single submitter. Criteria: GeneDx Variant Classification Process June 2021. Collection method: clinical testing. Allele origin: germline. Affected: yes.

Ambry Genetics
Classification: Benign for Inborn genetic diseases. Last evaluated: 2018-04-18. Review status: criteria provided, single submitter. Criteria: Ambry Variant Classification Scheme 2023. Collection method: clinical testing. Allele origin: germline.

Genetic Services Laboratory, University of Chicago
Classification: Benign. Last evaluated: 2015-12-30. Review status: criteria provided, single submitter. Criteria: ACMG Guidelines, 2015. Collection method: clinical testing. Allele origin: germline. Affected: no.

Genomic Diagnostic Laboratory, Division of Genomic Diagnostics, Children's Hospital of Philadelphia
Classification: Benign. Last evaluated: 2015-10-16. Review status: criteria provided, single submitter. Criteria: DGD Variant Analysis Guidelines. Collection method: clinical testing. Allele origin: unknown.

Eurofins Ntd Llc (ga)
Classification: Benign. Last evaluated: 2014-10-06. Review status: criteria provided, single submitter. Criteria: EGL Classification Definitions 2015. Collection method: clinical testing. Allele origin: germline.

NM_030665.4(RAI1):c.834GCA[14] (p.Gln291dup)

Gene: RAI1 (retinoic acid induced 1; plus strand). Cytogenetic location: 17p11.2.
Variant type: Microsatellite.
Coding change: c.834GCA[14] on transcript NM_030665.4 (MANE Select); 14 copies in a row of the 3-base unit GCA starting at c.834; the reference has 13 copies in a row; one copy, 3 bases duplicated; also written c.870_872dup.
Protein change: p.Gln291dup; duplicates glutamine 291.
Molecular consequence: inframe insertion.
Genome position (GRCh38, 1-based): chr17:17,793,818-17,793,820, GCA duplicated; duplicating any 3 consecutive bases within chr17:17,793,780-17,793,820 gives the same sequence; the position shown is the placement nearest the transcript's 3' end. VCF-style (leftmost placement, unchanged base first): chr17-17793779-C-CCAG. GRCh37 (hg19) VCF-style: chr17-17697093-C-CCAG.
Other names: p.Gln291dup; c.870_872dupGCA (NM_030665.3); c.870_872dup (NM_030665.4).
Identifiers: ClinVar variation 130086 (VCV000130086.57), dbSNP rs371983878, ClinGen allele CA202432.